The following is an entry in ClinVar:

ClinVar aggregate classification (germline): Uncertain significance (1 of 4 stars; one submission).

Conditions:
Cardiovascular phenotype. Identifiers: MedGen CN230736.

Allele frequency attached by ClinVar (database versions not stated): gnomAD 0.00001; TOPMed 0.00001; ExAC 0.00004; gnomAD exomes 0.00005; 1000 Genomes Project 30x 0.00016; 1000 Genomes Project 0.00020.
gnomAD v4.1: 28 of 1,613,756 alleles (0.0017%); highest among the groups gnomAD compares: East Asian, 0.058%; no homozygotes.

Submission:

Ambry Genetics
Classification: Uncertain significance for Cardiovascular phenotype. Last evaluated: 2024-03-14. Review status: criteria provided, single submitter. Criteria: Ambry Variant Classification Scheme 2023. Collection method: clinical testing. Allele origin: germline.
Comment: The p.P50S variant (also known as c.148C>T), located in coding exon 1 of the TECRL gene, results from a C to T substitution at nucleotide position 148. The proline at codon 50 is replaced by serine, an amino acid with similar properties. This amino acid position is not well conserved in available vertebrate species, and serine is the reference amino acid in other vertebrate species. In addition, this alteration is predicted to be tolerated by in silico analysis. Since supporting evidence is limited at this time, the clinical significance of this alteration remains unclear.

NM_001010874.5(TECRL):c.148C>T (p.Pro50Ser)

Gene: TECRL (trans-2,3-enoyl-CoA reductase like; minus strand). Cytogenetic location: 4q13.1.
Variant type: single nucleotide variant.
Coding change: c.148C>T on transcript NM_001010874.5 (MANE Select); coding-DNA position 148, C replaced by T.
Protein change: p.Pro50Ser; replaces proline 50 with serine.
Molecular consequence: missense variant.
Genome position (GRCh38, 1-based): chr4:64,409,204, G>A on the plus strand (C>T on the coding strand, the complement: TECRL is on the minus strand). VCF-style: chr4-64409204-G-A. GRCh37 (hg19) VCF-style: chr4-65274922-G-A.
Other names: c.148C>T, p.Pro50Ser (NM_001363796.1); short protein forms P50S.
Identifiers: ClinVar variation 1773744 (VCV001773744.2), dbSNP rs202057496, ClinGen allele CA2935683.